The following is an entry in ClinVar:

ClinVar aggregate classification (germline): Pathogenic. Review status: no assertion criteria provided (0 of 4 stars). 2 submissions from 2 submitters: Pathogenic (2). Last evaluated 2018-03-27.

Conditions:
Neurodegeneration with brain iron accumulation 7. Identifiers: MedGen C4693583, MONDO:0054763, OMIM 617916.

Submissions (2):

OMIM
Classification: Pathogenic for NEURODEGENERATION WITH BRAIN IRON ACCUMULATION 7 (1 family). Last evaluated: 2018-03-27. Review status: no assertion criteria provided. Collection method: literature only. Allele origin: germline.

Institut IMAGINE, Institut National de la Sante et de la Recherche Medicale
Classification: Pathogenic for Neurodegeneration with brain iron accumulation 7. Review status: no assertion criteria provided. Collection method: research. Allele origin: inherited. Affected: yes. Observed: 2 variant alleles.

Literature cited by the submitters: PubMed 29395073 (cited by OMIM and Institut IMAGINE, Institut National de la Sante et de la Recherche Medicale).

NM_001286611.2(REPS1):c.232G>C (p.Val78Leu)

Gene: REPS1 (RALBP1 associated Eps domain containing 1; minus strand). Cytogenetic location: 6q24.1.
Variant type: single nucleotide variant.
Coding change: c.232G>C on transcript NM_001286611.2 (MANE Select); coding-DNA position 232, G replaced by C.
Protein change: p.Val78Leu; replaces valine 78 with leucine.
Molecular consequence: missense variant.
Genome position (GRCh38, 1-based): chr6:138,947,835, C>G on the plus strand (G>C on the coding strand, the complement: REPS1 is on the minus strand). VCF-style: chr6-138947835-C-G. GRCh37 (hg19) VCF-style: chr6-139268972-C-G.
Other names: c.232G>C, p.Val78Leu (NM_001128617.3, NM_001286612.2, NM_031922.5); short protein forms V78L.
Identifiers: ClinVar variation 503503 (VCV000503503.2), dbSNP rs1554292444, ClinGen allele CA365815579.